The following is an entry in ClinVar:

NM_002951.5(RPN2):c.773C>T (p.Ala258Val)

Gene: RPN2 (ribophorin II; plus strand). Cytogenetic location: 20q11.23.
Variant type: single nucleotide variant.
Coding change: c.773C>T on transcript NM_002951.5 (MANE Select); coding-DNA position 773, C replaced by T.
Protein change: p.Ala258Val; replaces alanine 258 with valine.
Molecular consequence: missense variant.
Genome position (GRCh38, 1-based): chr20:37,207,355, C>T. VCF-style: chr20-37207355-C-T. GRCh37 (hg19) VCF-style: chr20-35835758-C-T.
Other names: c.677C>T, p.Ala226Val (NM_001135771.3); c.773C>T, p.Ala258Val (NM_001324299.2, NM_001324302.2, NM_001324303.2 and 1 more transcripts); c.821C>T, p.Ala274Val (NM_001324301.2, NM_001324305.2); c.302C>T, p.Ala101Val (NM_001324306.2); short protein forms A101V, A274V, A226V, A258V.
Identifiers: ClinVar variation 1951985 (VCV001951985.5), dbSNP rs2515758312, ClinGen allele CA408845534.

ClinVar aggregate classification (germline): Uncertain significance (1 of 4 stars; one submission).

Conditions:
Congenital disorder of glycosylation (CDG). Also called: Carbohydrate-deficient glycoprotein syndrome; Congenital disorders of glycosylation. Identifiers: Orphanet 137, MedGen C0282577, MONDO:0015286.

gnomAD v4.1: 3 of 1,613,958 alleles (0.00019%); no homozygotes.

Submission:

Labcorp Genetics (formerly Invitae), Labcorp
Classification: Uncertain significance for Congenital disorder of glycosylation. Last evaluated: 2024-09-06. Review status: criteria provided, single submitter. Criteria: Invitae Variant Classification Sherloc (09022015). Collection method: clinical testing. Allele origin: germline.
Comment: This sequence change replaces alanine, which is neutral and non-polar, with valine, which is neutral and non-polar, at codon 258 of the RPN2 protein (p.Ala258Val). This variant is not present in population databases (gnomAD no frequency). This variant has not been reported in the literature in individuals affected with RPN2-related conditions. ClinVar contains an entry for this variant (Variation ID: 1951985). An algorithm developed to predict the effect of missense changes on protein structure and function (PolyPhen-2) suggests that this variant is likely to be disruptive. In summary, the available evidence is currently insufficient to determine the role of this variant in disease. Therefore, it has been classified as a Variant of Uncertain Significance.